The following is an entry in ClinVar:

ClinVar aggregate classification (germline): Uncertain significance (1 of 4 stars; one submission).

Conditions:
Inborn genetic diseases. Identifiers: MedGen C0950123, MeSH D030342.

gnomAD v4.1: 1 of 1,613,902 alleles (0.000062%); highest among the groups gnomAD compares: Non-Finnish European, 0.000085%; no homozygotes.

Submission:

Ambry Genetics
Classification: Uncertain significance for Inborn genetic diseases. Last evaluated: 2025-02-14. Review status: criteria provided, single submitter. Criteria: Ambry Variant Classification Scheme 2023. Collection method: clinical testing. Allele origin: germline.
Comment: The p.T5S variant (also known as c.14C>G), located in coding exon 1 of the SBDS gene, results from a C to G substitution at nucleotide position 14. The threonine at codon 5 is replaced by serine, an amino acid with similar properties. This amino acid position is conserved. In addition, the in silico prediction for this alteration is inconclusive. Based on the available evidence, the clinical significance of this variant remains unclear.

NM_016038.4(SBDS):c.14C>G (p.Thr5Ser)

Gene: SBDS (SBDS ribosome maturation factor; minus strand). Cytogenetic location: 7q11.21.
Variant type: single nucleotide variant.
Coding change: c.14C>G on transcript NM_016038.4 (MANE Select); coding-DNA position 14, C replaced by G.
Protein change: p.Thr5Ser; replaces threonine 5 with serine.
Molecular consequence: missense variant.
Genome position (GRCh38, 1-based): chr7:66,995,404, G>C on the plus strand (C>G on the coding strand, the complement: SBDS is on the minus strand). VCF-style: chr7-66995404-G-C. GRCh37 (hg19) VCF-style: chr7-66460391-G-C.
Other names: short protein forms T5S.
Identifiers: ClinVar variation 3792743 (VCV003792743.1).